The following is an entry in ClinVar:

ClinVar aggregate classification (germline): Uncertain significance. Review status: criteria provided, multiple submitters, no conflicts (2 of 4 stars). 2 submissions from 2 submitters: Uncertain significance (2). Last evaluated 2025-09-27.

Conditions:
Carney complex, type 1 (CNC1). Also called: CARNEY MYXOMA-ENDOCRINE COMPLEX; CARNEY COMPLEX, TYPE I. Identifiers: Orphanet 1359, MedGen C2607929, MONDO:0008057, OMIM 160980.
Hereditary cancer-predisposing syndrome. Also called: Tumor predisposition; Hereditary neoplastic syndrome; Hereditary Cancer Syndrome; Neoplastic Syndromes, Hereditary. Identifiers: Orphanet 140162, MedGen C0027672, MeSH D009386, MONDO:0015356.

Allele frequency attached by ClinVar (database versions not stated): gnomAD exomes below 0.00001; ExAC 0.00001.
gnomAD v4.1: 2 of 1,614,030 alleles (0.00012%); highest among the groups gnomAD compares: South Asian, 0.0022%; no homozygotes.

Submissions (2):

Labcorp Genetics (formerly Invitae), Labcorp
Classification: Uncertain significance for Carney complex, type 1. Last evaluated: 2025-09-27. Review status: criteria provided, single submitter. Criteria: Invitae Variant Classification Sherloc (09022015). Collection method: clinical testing. Allele origin: germline.
Comment: This sequence change replaces glutamic acid, which is acidic and polar, with glycine, which is neutral and non-polar, at codon 61 of the PRKAR1A protein (p.Glu61Gly). This variant is present in population databases (rs772001678, gnomAD 0.003%). This variant has not been reported in the literature in individuals affected with PRKAR1A-related conditions. ClinVar contains an entry for this variant (Variation ID: 3222762). Invitae Evidence Modeling of protein sequence and biophysical properties (such as structural, functional, and spatial information, amino acid conservation, physicochemical variation, residue mobility, and thermodynamic stability) indicates that this missense variant is not expected to disrupt PRKAR1A protein function with a negative predictive value of 95%. RNA analysis performed to evaluate the impact of this missense change on mRNA splicing indicates it does not significantly alter splicing (internal data). In summary, the available evidence is currently insufficient to determine the role of this variant in disease. Therefore, it has been classified as a Variant of Uncertain Significance.

Ambry Genetics
Classification: Uncertain significance for Hereditary cancer-predisposing syndrome. Last evaluated: 2023-12-05. Review status: criteria provided, single submitter. Criteria: Ambry Variant Classification Scheme 2023. Collection method: clinical testing. Allele origin: germline.
Comment: The p.E61G variant (also known as c.182A>G), located in coding exon 2 of the PRKAR1A gene, results from an A to G substitution at nucleotide position 182. The glutamic acid at codon 61 is replaced by glycine, an amino acid with similar properties. This amino acid position is conserved. In addition, the in silico prediction for this alteration is inconclusive. Since supporting evidence is limited at this time, the clinical significance of this alteration remains unclear.

NM_002734.5(PRKAR1A):c.182A>G (p.Glu61Gly)

Gene: PRKAR1A (protein kinase cAMP-dependent type I regulatory subunit alpha; plus strand). Cytogenetic location: 17q24.2.
Variant type: single nucleotide variant.
Coding change: c.182A>G on transcript NM_002734.5 (MANE Select); coding-DNA position 182, A replaced by G.
Protein change: p.Glu61Gly; replaces glutamic acid 61 with glycine.
Molecular consequence: missense variant.
Genome position (GRCh38, 1-based): chr17:68,522,760, A>G. VCF-style: chr17-68522760-A-G. GRCh37 (hg19) VCF-style: chr17-66518901-A-G.
Other names: c.182A>G, p.Glu61Gly (NM_001276289.2, NM_001276290.1, NM_001278433.2 and 4 more transcripts); short protein forms E61G.
Identifiers: ClinVar variation 3222762 (VCV003222762.2), dbSNP rs772001678, ClinGen allele CA8729191.